The following is an entry in ClinVar:

ClinVar aggregate classification (germline): Likely benign. Review status: criteria provided, multiple submitters, no conflicts (2 of 4 stars). 2 submissions from 2 submitters: Likely benign (2). Last evaluated 2018-06-14.

Conditions:
Arginine:glycine amidinotransferase deficiency (CCDS3). Also called: Creatine deficiency syndrome due to AGAT deficiency; GATM deficiency; AGAT deficiency; Cerebral creatine deficiency syndrome 3; L-Arginine:Glycine Amidinotransferase (AGAT) Deficiency; L-Arginine:Glycine Amidinotransferase Deficiency. Identifiers: Orphanet 35704, MedGen C2675179, MONDO:0012996, OMIM 612718.

Allele frequency attached by ClinVar (database versions not stated): gnomAD below 0.00001 and 0.00035; TOPMed 0.00007; gnomAD exomes 0.00067 and 0.00125; ExAC 0.00136; 1000 Genomes Project 30x 0.00187; 1000 Genomes Project 0.00220.
gnomAD v4.1: 880 of 1,391,220 alleles (0.063%); highest among the groups gnomAD compares: South Asian, 0.97%; 7 homozygotes.

Submissions (2):

GeneDx
Classification: Likely benign. Last evaluated: 2018-06-14. Review status: criteria provided, single submitter. Criteria: GeneDx Variant Classification Process June 2021. Collection method: clinical testing. Allele origin: germline. Affected: yes.

Illumina Laboratory Services, Illumina
Classification: Likely benign for Arginine:glycine amidinotransferase deficiency. Last evaluated: 2018-01-12. Review status: criteria provided, single submitter. Criteria: ICSL Variant Classification Criteria 13 December 2019. Collection method: clinical testing. Allele origin: germline.
Comment: This variant was observed in the ICSL laboratory as part of a predisposition screen in an ostensibly healthy population. It had not been previously curated by ICSL or reported in the Human Gene Mutation Database (HGMD: prior to June 1st, 2018), and was therefore a candidate for classification through an automated scoring system. Utilizing variant allele frequency, disease prevalence and penetrance estimates, and inheritance mode, an automated score was calculated to assess if this variant is too frequent to cause the disease. Based on the score and internal cut-off values, a variant classified as likely benign is not then subjected to further curation. The score for this variant resulted in a classification of likely benign for this disease.

NM_001482.3(GATM):c.*28C>T

Gene: GATM (glycine amidinotransferase; minus strand). Cytogenetic location: 15q21.1.
Variant type: single nucleotide variant.
Coding change: c.*28C>T on transcript NM_001482.3 (MANE Select); 28 bases downstream of the stop codon, C replaced by T.
Molecular consequence: 3 prime UTR variant.
Genome position (GRCh38, 1-based): chr15:45,362,081, G>A on the plus strand (C>T on the coding strand, the complement: GATM is on the minus strand). VCF-style: chr15-45362081-G-A. GRCh37 (hg19) VCF-style: chr15-45654279-G-A.
Other names: c.*28C>T (NM_001321015.2).
Identifiers: ClinVar variation 887212 (VCV000887212.7), dbSNP rs570994409, ClinGen allele CA7542744.